The following is an entry in ClinVar:

NM_000135.4(FANCA):c.862_863inv (p.Glu288Ser)

Gene: FANCA (FA complementation group A; minus strand). Cytogenetic location: 16q24.3.
Variant type: Inversion.
Coding change: c.862_863inv on transcript NM_000135.4 (MANE Select).
Protein change: p.Glu288Ser; replaces glutamic acid 288 with serine.
Molecular consequence: missense variant.
Genome position: GRCh38 VCF-style: chr16-89799196-TC-GA. GRCh37 (hg19) VCF-style: chr16-89865604-TC-GA.
Other names: c.862_863inv, p.Glu288Ser (NM_001018112.3, NM_001286167.3); c.766_767inv, p.Glu256Ser (NM_001351830.2); short protein forms E256S, E288S.
Identifiers: ClinVar variation 5004367 (VCV005004367.1).

ClinVar aggregate classification (germline): Uncertain significance (1 of 4 stars; one submission).

Conditions:
Fanconi anemia complementation group A (FANCA). Also called: FANCA-Related Fanconi Anemia; Fanconi anemia, group A. Identifiers: Orphanet 84, MedGen C3469521, MONDO:0009215, OMIM 227650.

Submission:

Myriad Genetics, Inc.
Classification: Uncertain significance for Fanconi anemia complementation group A. Last evaluated: 2026-01-06. Review status: criteria provided, single submitter. Criteria: Myriad Autosomal Dominant, Autosomal Recessive and X-Linked Classification Criteria (2023). Collection method: clinical testing. Allele origin: unknown.
Comment: NM_000135.2(FANCA):c.862_863delGAinsTC(E288S) is a missense variant classified as a variant of uncertain significance in the context of Fanconi anemia complementation group A. E288S has not been observed in cases with relevant disease. Relevant functional assessments of this variant are not available in the literature. E288S has not been observed in referenced population frequency databases. In summary, there is insufficient evidence to classify NM_000135.2(FANCA):c.862_863delGAinsTC(E288S) as pathogenic or benign. Please note: this variant was assessed in the context of healthy population screening.